The following is an entry in ClinVar:

NM_203447.4(DOCK8):c.1422+327G>C

Gene: DOCK8 (dedicator of cytokinesis 8; plus strand). Cytogenetic location: 9p24.3.
Variant type: single nucleotide variant.
Coding change: c.1422+327G>C on transcript NM_203447.4 (MANE Select); 327 bases into the intron after coding-DNA position 1422, G replaced by C.
Molecular consequence: intron variant.
Genome position (GRCh38, 1-based): chr9:337,045, G>C. VCF-style: chr9-337045-G-C. GRCh37 (hg19) VCF-style: chr9-337045-G-C.
Other names: c.1218+327G>C (NM_001193536.2, NM_001190458.2).
Identifiers: ClinVar variation 669669 (VCV000669669.1), dbSNP rs1410215, ClinGen allele CA13022848.
Genomic context (GRCh38, chr9:337,045, plus strand): 5'-TAGAGTCCTGAGGTGGAGCACGGTGAGCAGCTGAGCATGCTAGCTCAGGTCTCTCTTCCT[G>C]TTCTTATAAAGCCACCAGTTCCCCTCCCATGATGCAGATTAATCCATTAATCTGTGAATG-3'

ClinVar aggregate classification (germline): Benign (1 of 4 stars; one submission).

Allele frequency attached by ClinVar (database versions not stated): gnomAD 0.53360 and 0.53710; TOPMed 0.53394; 1000 Genomes Project 30x 0.58495; 1000 Genomes Project 0.58926.
gnomAD v4.1: 81,417 of 151,700 alleles (54%); highest among the groups gnomAD compares: East Asian, 80%; 22,160 homozygotes.

Submission:

GeneDx
Classification: Benign. Last evaluated: 2018-06-14. Review status: criteria provided, single submitter. Criteria: GeneDx Variant Classification (06012015). Collection method: clinical testing. Allele origin: germline. Affected: yes.
Comment: This variant is considered likely benign or benign based on one or more of the following criteria: it is a conservative change, it occurs at a poorly conserved position in the protein, it is predicted to be benign by multiple in silico algorithms, and/or has population frequency not consistent with disease.